The following is an entry in ClinVar:

ClinVar aggregate classification (germline): Uncertain significance (1 of 4 stars; one submission).

Conditions:
Retinitis pigmentosa 20 (RP20). Identifiers: Orphanet 791, MedGen C3151086, MONDO:0013425, OMIM 613794.
Leber congenital amaurosis 2 (LCA2). Also called: AMAUROSIS CONGENITA OF LEBER II; Autosomal Recessive RPE65-Related Retinal Degeneration. Identifiers: Orphanet 65, MedGen C1859844, MONDO:0008765, OMIM 204100. Disease mechanism: loss of function.

Allele frequency attached by ClinVar (database versions not stated): gnomAD exomes below 0.00001.
gnomAD v4.1: 2 of 1,613,760 alleles (0.00012%); highest among the groups gnomAD compares: Non-Finnish European, 0.00017%; no homozygotes.

Submission:

Labcorp Genetics (formerly Invitae), Labcorp
Classification: Uncertain significance for Leber congenital amaurosis 2; Retinitis pigmentosa 20. Last evaluated: 2021-07-12. Review status: criteria provided, single submitter. Criteria: Invitae Variant Classification Sherloc (09022015). Collection method: clinical testing. Allele origin: germline.
Comment: This sequence change replaces tryptophan with cysteine at codon 460 of the RPE65 protein (p.Trp460Cys). The tryptophan residue is highly conserved and there is a large physicochemical difference between tryptophan and cysteine. This variant is not present in population databases (ExAC no frequency). This variant has been observed in individual(s) with clinical features of Leber congenital amaurosis (PMID: 20811047). Algorithms developed to predict the effect of missense changes on protein structure and function are either unavailable or do not agree on the potential impact of this missense change (SIFT: "Deleterious"; PolyPhen-2: "Probably Damaging"; Align-GVGD: "Class C15"). In summary, the available evidence is currently insufficient to determine the role of this variant in disease. Therefore, it has been classified as a Variant of Uncertain Significance.

Literature cited by the submitters: PubMed 20811047.

NM_000329.3(RPE65):c.1380G>T (p.Trp460Cys)

Gene: RPE65 (retinoid isomerohydrolase RPE65; minus strand). Cytogenetic location: 1p31.3.
Variant type: single nucleotide variant.
Coding change: c.1380G>T on transcript NM_000329.3 (MANE Select); coding-DNA position 1380, G replaced by T.
Protein change: p.Trp460Cys; replaces tryptophan 460 with cysteine.
Molecular consequence: missense variant.
Genome position (GRCh38, 1-based): chr1:68,431,135, C>A on the plus strand (G>T on the coding strand, the complement: RPE65 is on the minus strand). VCF-style: chr1-68431135-C-A. GRCh37 (hg19) VCF-style: chr1-68896818-C-A.
Other names: short protein forms W460C.
Identifiers: ClinVar variation 1486592 (VCV001486592.8), dbSNP rs1645823028, ClinGen allele CA340742110.